The following is an entry in ClinVar:

ClinVar aggregate classification (germline): Conflicting classifications of pathogenicity. Review status: criteria provided, conflicting classifications (1 of 4 stars). 3 submissions from 3 submitters: Uncertain significance (1); Likely benign (2). Last evaluated 2025-10-01.

Conditions:
Dilated cardiomyopathy 1G (CMD1G). Identifiers: Orphanet 154, MedGen C1858763, MONDO:0011400, OMIM 604145.
Autosomal recessive limb-girdle muscular dystrophy type 2J (LGMDR10). Also called: MUSCULAR DYSTROPHY, LIMB-GIRDLE, AUTOSOMAL RECESSIVE 10; Limb-girdle muscular dystrophy, type 2J. Identifiers: Orphanet 140922, MedGen C1837342, MONDO:0012127, OMIM 608807.
TTN-related disorder. Also called: TTN-related condition; TTN-related disease; TTN-related disorders.

Allele frequency attached by ClinVar (database versions not stated): gnomAD 0.00003 and 0.00004; TOPMed 0.00005; gnomAD exomes 0.00012; ExAC 0.00024; ESP Exome Variant Server 0.00033.
gnomAD v4.1: 149 of 1,612,878 alleles (0.0092%); highest among the groups gnomAD compares: Non-Finnish European, 0.012%; no homozygotes.

Submissions (3):

Labcorp Genetics (formerly Invitae), Labcorp
Classification: Likely benign for Dilated cardiomyopathy 1G; Autosomal recessive limb-girdle muscular dystrophy type 2J. Last evaluated: 2025-10-01. Review status: criteria provided, single submitter. Criteria: Invitae Variant Classification Sherloc (09022015). Collection method: clinical testing. Allele origin: germline.

PreventionGenetics, part of Exact Sciences
Classification: Likely benign for TTN-related condition. Last evaluated: 2025-09-03. Review status: criteria provided, single submitter. Criteria: ACMG Guidelines, 2015. Collection method: clinical testing. Allele origin: germline.
Comment: This variant is classified as likely benign based on ACMG/AMP sequence variant interpretation guidelines (Richards et al. 2015 PMID: 25741868, with internal and published modifications).

Eurofins Ntd Llc (ga)
Classification: Uncertain significance. Last evaluated: 2018-07-19. Review status: criteria provided, single submitter. Criteria: EGL ClinVar v180209 classification definitions. Collection method: clinical testing. Allele origin: germline. Observed: 1 variant allele, 1 heterozygote.

NM_001267550.2(TTN):c.29868T>C (p.His9956=)

Gene: TTN (titin; minus strand). Cytogenetic location: 2q31.2.
Variant type: single nucleotide variant.
Coding change: c.29868T>C on transcript NM_001267550.2 (MANE Select); coding-DNA position 29868, T replaced by C.
Protein change: p.His9956=; no amino-acid change (histidine 9956 retained).
Molecular consequence: synonymous variant. On other transcripts: intron variant (3).
Genome position (GRCh38, 1-based): chr2:178,704,604, A>G on the plus strand (T>C on the coding strand, the complement: TTN is on the minus strand). VCF-style: chr2-178704604-A-G. GRCh37 (hg19) VCF-style: chr2-179569331-A-G.
Other names: c.28917T>C, p.His9639= (NM_001256850.1); c.26136T>C, p.His8712= (NM_133378.4); c.13282+33478T>C (NM_003319.4); c.13858+33478T>C (NM_133437.4); c.13657+33478T>C (NM_133432.3).
Identifiers: ClinVar variation 598049 (VCV000598049.14), dbSNP rs373953903, ClinGen allele CA1999296.